The following is an entry in ClinVar:

ClinVar aggregate classification (germline): Likely benign (0 of 4 stars; one submission).

Conditions:
SEMA3F-related disorder. Also called: SEMA3F-related condition.

Allele frequency attached by ClinVar (database versions not stated): gnomAD 0.00027; TOPMed 0.00030; gnomAD exomes 0.00003; ESP Exome Variant Server 0.00008; ExAC 0.00018.
gnomAD v4.1: 94 of 1,592,062 alleles (0.0059%); highest among the groups gnomAD compares: African/African-American, 0.11%; no homozygotes.

Submission:

PreventionGenetics, part of Exact Sciences
Classification: Likely benign for SEMA3F-related condition. Last evaluated: 2021-11-03. Review status: no assertion criteria provided. Collection method: clinical testing. Allele origin: germline.
Comment: This variant is classified as likely benign based on ACMG/AMP sequence variant interpretation guidelines (Richards et al. 2015 PMID: 25741868, with internal and published modifications).

NM_004186.5(SEMA3F):c.2286G>A (p.Gly762=)

Gene: SEMA3F (semaphorin 3F; plus strand). Cytogenetic location: 3p21.31.
Variant type: single nucleotide variant.
Coding change: c.2286G>A on transcript NM_004186.5 (MANE Select); coding-DNA position 2286, G replaced by A.
Protein change: p.Gly762=; no amino-acid change (glycine 762 retained).
Molecular consequence: synonymous variant.
Genome position (GRCh38, 1-based): chr3:50,188,043, G>A. VCF-style: chr3-50188043-G-A. GRCh37 (hg19) VCF-style: chr3-50225476-G-A.
Other names: c.1989G>A, p.Gly663= (NM_001318798.2); c.2193G>A, p.Gly731= (NM_001318800.2).
Identifiers: ClinVar variation 3054780 (VCV003054780.2), dbSNP rs374846142, ClinGen allele CA2412380.
Genomic context (GRCh38, chr3:50,188,043, plus strand): 5'-CCACCAGTACTGCCAGGGTTACTGGCGCCATGTGCCCCCCAGCCCCAGGGAGGCTCCAGG[G>A]GCACCCCGGTCTCCTGAGCCCCAGGACCAGAAAAAGCCCCGGAACCGCCGGCACCACCCT-3'
Protein context (NP_004177.3, residues 752-772): HVPPSPREAP[Gly762=]APRSPEPQDQ